The following is an entry in ClinVar:

ClinVar aggregate classification (germline): Uncertain significance (1 of 4 stars; one submission).

Submission:

GeneDx
Classification: Uncertain significance. Last evaluated: 2024-01-04. Review status: criteria provided, single submitter. Criteria: GeneDx Variant Classification Process June 2021. Collection method: clinical testing. Allele origin: germline. Affected: yes.
Comment: Not observed at significant frequency in large population cohorts (gnomAD); In silico analysis supports that this missense variant does not alter protein structure/function; Has not been previously published as pathogenic or benign to our knowledge

NM_006267.5(RANBP2):c.5650T>A (p.Ser1884Thr)

Gene: RANBP2 (RAN binding protein 2; plus strand). Cytogenetic location: 2q13.
Variant type: single nucleotide variant.
Coding change: c.5650T>A on transcript NM_006267.5 (MANE Select); coding-DNA position 5650, T replaced by A.
Protein change: p.Ser1884Thr; replaces serine 1884 with threonine.
Molecular consequence: missense variant.
Genome position (GRCh38, 1-based): chr2:108,766,189, T>A. VCF-style: chr2-108766189-T-A. GRCh37 (hg19) VCF-style: chr2-109382645-T-A.
Other names: c.5650T>A, p.Ser1884Thr (NM_001415871.1, NM_001415873.1); c.5647T>A, p.Ser1883Thr (NM_001415872.1); short protein forms S1883T, S1884T.
Identifiers: ClinVar variation 3367367 (VCV003367367.1).